The following is an entry in ClinVar:

ClinVar aggregate classification (germline): Uncertain significance. Review status: criteria provided, multiple submitters, no conflicts (2 of 4 stars). 3 submissions from 3 submitters: Uncertain significance (3). Last evaluated 2025-02-10.

Conditions:
CHD7-related disorder. Also called: CHD7-related condition.
CHARGE syndrome (CHARGE). Also called: Hittner Hirsch Kreh syndrome; CHARGE ASSOCIATION--COLOBOMA, HEART ANOMALY, CHOANAL ATRESIA, RETARDATION, GENITAL AND EAR ANOMALIES; Coloboma, heart anomaly, choanal atresia, retardation, genital and ear anomalies; CHARGE association; Hall-Hittner syndrome. Identifiers: Orphanet 138, MedGen C0265354, MONDO:0008965.

Allele frequency attached by ClinVar (database versions not stated): gnomAD exomes below 0.00001; TOPMed below 0.00001; gnomAD 0.00001.
gnomAD v4.1: 3 of 1,511,616 alleles (0.0002%); highest among the groups gnomAD compares: Non-Finnish European, 0.00027%; no homozygotes.

Submissions (3):

Labcorp Genetics (formerly Invitae), Labcorp
Classification: Uncertain significance for CHARGE syndrome. Last evaluated: 2025-02-10. Review status: criteria provided, single submitter. Criteria: Invitae Variant Classification Sherloc (09022015). Collection method: clinical testing. Allele origin: germline.
Comment: This sequence change replaces glutamic acid, which is acidic and polar, with lysine, which is basic and polar, at codon 2258 of the CHD7 protein (p.Glu2258Lys). This variant is not present in population databases (gnomAD no frequency). This variant has not been reported in the literature in individuals affected with CHD7-related conditions. ClinVar contains an entry for this variant (Variation ID: 2069329). Invitae Evidence Modeling of protein sequence and biophysical properties (such as structural, functional, and spatial information, amino acid conservation, physicochemical variation, residue mobility, and thermodynamic stability) indicates that this missense variant is not expected to disrupt CHD7 protein function with a negative predictive value of 95%. In summary, the available evidence is currently insufficient to determine the role of this variant in disease. Therefore, it has been classified as a Variant of Uncertain Significance.

GeneDx
Classification: Uncertain significance. Last evaluated: 2023-02-23. Review status: criteria provided, single submitter. Criteria: GeneDx Variant Classification Process June 2021. Collection method: clinical testing. Allele origin: germline. Affected: yes.
Comment: Reported in a patient with pituitary stalk interruption syndrome in the published literature who also had variants in two other genes that may have been responsible for the phenotype (Fang et al., 2020); Not observed at significant frequency in large population cohorts (gnomAD); In silico analysis supports that this missense variant does not alter protein structure/function; This variant is associated with the following publications: (PMID: 32864857)

PreventionGenetics, part of Exact Sciences
Classification: Uncertain significance for CHD7-related condition. Last evaluated: 2023-02-16. Review status: criteria provided, single submitter. Criteria: ACMG Guidelines, 2015. Collection method: clinical testing. Allele origin: germline.
Comment: The CHD7 c.6772G>A variant is predicted to result in the amino acid substitution p.Glu2258Lys. To our knowledge, this variant has not been reported in the literature or in a large population database, indicating this variant is rare. At this time, the clinical significance of this variant is uncertain due to the absence of conclusive functional and genetic evidence.

NM_017780.4(CHD7):c.6772G>A (p.Glu2258Lys)

Gene: CHD7 (chromodomain helicase DNA binding protein 7; plus strand). Cytogenetic location: 8q12.2.
Variant type: single nucleotide variant.
Coding change: c.6772G>A on transcript NM_017780.4 (MANE Select); coding-DNA position 6772, G replaced by A.
Protein change: p.Glu2258Lys; replaces glutamic acid 2258 with lysine.
Molecular consequence: missense variant. On other transcripts: intron variant (1).
Genome position (GRCh38, 1-based): chr8:60,853,497, G>A. VCF-style: chr8-60853497-G-A. GRCh37 (hg19) VCF-style: chr8-61766056-G-A.
Other names: c.6772G>A (NM_017780.3); c.1717-8732G>A (NM_001316690.1); short protein forms E2258K.
Identifiers: ClinVar variation 2069329 (VCV002069329.6), dbSNP rs970986435, ClinGen allele CA177354235.